The following is an entry in ClinVar:

NM_000179.3(MSH6):c.3515G>C (p.Arg1172Thr)

Gene: MSH6 (mutS homolog 6; plus strand). Cytogenetic location: 2p16.3.
Variant type: single nucleotide variant.
Coding change: c.3515G>C on transcript NM_000179.3 (MANE Select); coding-DNA position 3515, G replaced by C.
Protein change: p.Arg1172Thr; replaces arginine 1172 with threonine.
Molecular consequence: missense variant.
Genome position (GRCh38, 1-based): chr2:47,804,986, G>C. VCF-style: chr2-47804986-G-C. GRCh37 (hg19) VCF-style: chr2-48032125-G-C.
Other names: c.3125G>C, p.Arg1042Thr (NM_001281492.2); c.2609G>C, p.Arg870Thr (NM_001281493.2, NM_001281494.2); short protein forms R1172T, R1042T, R870T.
Identifiers: ClinVar variation 219708 (VCV000219708.10), dbSNP rs864622217, ClinGen allele CA350668.

ClinVar aggregate classification (germline): Uncertain significance. Review status: criteria provided, multiple submitters, no conflicts (2 of 4 stars). 2 submissions from 2 submitters: Uncertain significance (2). Last evaluated 2024-05-08.

Conditions:
Hereditary nonpolyposis colorectal neoplasms. Identifiers: MedGen C0009405, MeSH D003123.
Hereditary cancer-predisposing syndrome. Also called: Hereditary neoplastic syndrome; Tumor predisposition; Hereditary Cancer Syndrome; Neoplastic Syndromes, Hereditary. Identifiers: Orphanet 140162, MedGen C0027672, MeSH D009386, MONDO:0015356.

Submissions (2):

Labcorp Genetics (formerly Invitae), Labcorp
Classification: Uncertain significance for Hereditary nonpolyposis colorectal neoplasms. Last evaluated: 2024-05-08. Review status: criteria provided, single submitter. Criteria: Invitae Variant Classification Sherloc (09022015). Collection method: clinical testing. Allele origin: germline.
Comment: This sequence change replaces arginine, which is basic and polar, with threonine, which is neutral and polar, at codon 1172 of the MSH6 protein (p.Arg1172Thr). This variant is not present in population databases (gnomAD no frequency). This variant has not been reported in the literature in individuals affected with MSH6-related conditions. ClinVar contains an entry for this variant (Variation ID: 219708). Advanced modeling of protein sequence and biophysical properties (such as structural, functional, and spatial information, amino acid conservation, physicochemical variation, residue mobility, and thermodynamic stability) has been performed at Invitae for this missense variant, however the output from this modeling did not meet the statistical confidence thresholds required to predict the impact of this variant on MSH6 protein function. In summary, the available evidence is currently insufficient to determine the role of this variant in disease. Therefore, it has been classified as a Variant of Uncertain Significance.

Ambry Genetics
Classification: Uncertain significance for Hereditary cancer-predisposing syndrome. Last evaluated: 2024-02-28. Review status: criteria provided, single submitter. Criteria: Ambry Variant Classification Scheme 2023. Collection method: clinical testing. Allele origin: germline.
Comment: The p.R1172T variant (also known as c.3515G>C), located in coding exon 6 of the MSH6 gene, results from a G to C substitution at nucleotide position 3515. The arginine at codon 1172 is replaced by threonine, an amino acid with similar properties. This amino acid position is highly conserved in available vertebrate species. In addition, this alteration is predicted to be deleterious by in silico analysis. Based on the available evidence, the clinical significance of this alteration remains unclear.